The following is an entry in ClinVar:

ClinVar aggregate classification (germline): Uncertain significance (1 of 4 stars; one submission).

Submission:

Labcorp Genetics (formerly Invitae), Labcorp
Classification: Uncertain significance. Last evaluated: 2022-06-26. Review status: criteria provided, single submitter. Criteria: Invitae Variant Classification Sherloc (09022015). Collection method: clinical testing. Allele origin: germline.
Comment: In summary, the available evidence is currently insufficient to determine the role of this variant in disease. Therefore, it has been classified as a Variant of Uncertain Significance. Algorithms developed to predict the effect of sequence changes on RNA splicing suggest that this variant may disrupt the consensus splice site. This variant has not been reported in the literature in individuals affected with TNNI3K-related conditions. This variant is not present in population databases (gnomAD no frequency). This sequence change affects an acceptor splice site in intron 23 of the TNNI3K gene. It is expected to disrupt RNA splicing. Variants that disrupt the donor or acceptor splice site typically lead to a loss of protein function (PMID: 16199547), however the current clinical and genetic evidence is not sufficient to establish whether loss-of-function variants in TNNI3K cause disease.

Literature cited by the submitters: PubMed 16199547.

NM_015978.3(TNNI3K):c.2352-1G>A

Genes: FPGT-TNNI3K (FPGT-TNNI3K readthrough; plus strand), TNNI3K (TNNI3 interacting kinase; plus strand). Cytogenetic location: 1p31.1.
Variant type: single nucleotide variant.
Coding change: c.2352-1G>A on transcript NM_015978.3 (MANE Select); the canonical splice acceptor site of the intron before coding-DNA position 2352, G replaced by A.
Molecular consequence: splice acceptor variant.
Genome position (GRCh38, 1-based): chr1:74,540,233, G>A. VCF-style: chr1-74540233-G-A. GRCh37 (hg19) VCF-style: chr1-75005917-G-A.
Other names: c.2655-1G>A (NM_001112808.3).
Identifiers: ClinVar variation 2114759 (VCV002114759.4), dbSNP rs2525221742, ClinGen allele CA340799066.